The following is an entry in ClinVar:

NM_000051.4(ATM):c.3588A>T (p.Lys1196Asn)

Gene: ATM (ATM serine/threonine kinase; plus strand). Cytogenetic location: 11q22.3.
Variant type: single nucleotide variant.
Coding change: c.3588A>T on transcript NM_000051.4 (MANE Select); coding-DNA position 3588, A replaced by T.
Protein change: p.Lys1196Asn; replaces lysine 1196 with asparagine.
Molecular consequence: missense variant.
Genome position (GRCh38, 1-based): chr11:108,282,721, A>T. VCF-style: chr11-108282721-A-T. GRCh37 (hg19) VCF-style: chr11-108153448-A-T.
Other names: c.3588A>T, p.Lys1196Asn (NM_001351834.2); short protein forms K1196N.
Identifiers: ClinVar variation 3606332 (VCV003606332.2).

ClinVar aggregate classification (germline): Uncertain significance (1 of 4 stars; one submission).

Conditions:
Ataxia-telangiectasia syndrome (AT). Also called: Ataxia-telangiectasia, complementation group D; AT, COMPLEMENTATION GROUP C; Ataxia-telangiectasia; Ataxia telangiectasia (A-T); Cerebello-oculocutaneous telangiectasia; Immunodeficiency with ataxia telangiectasia. Identifiers: Orphanet 100, MedGen C0004135, MONDO:0008840, OMIM 208900.

gnomAD v4.1: 1 of 1,613,150 alleles (0.000062%); highest among the groups gnomAD compares: Admixed American, 0.0017%; no homozygotes.

Submission:

Labcorp Genetics (formerly Invitae), Labcorp
Classification: Uncertain significance for Ataxia-telangiectasia syndrome. Last evaluated: 2024-03-26. Review status: criteria provided, single submitter. Criteria: Invitae Variant Classification Sherloc (09022015). Collection method: clinical testing. Allele origin: germline.
Comment: This sequence change replaces lysine, which is basic and polar, with asparagine, which is neutral and polar, at codon 1196 of the ATM protein (p.Lys1196Asn). This variant is present in population databases (no rsID available, gnomAD 0.003%). This variant has not been reported in the literature in individuals affected with ATM-related conditions. An algorithm developed to predict the effect of missense changes on protein structure and function (PolyPhen-2) suggests that this variant is likely to be tolerated. In summary, the available evidence is currently insufficient to determine the role of this variant in disease. Therefore, it has been classified as a Variant of Uncertain Significance.